The following is an entry in ClinVar:

NM_144498.4(OSBPL2):c.162G>C (p.Glu54Asp)

Gene: OSBPL2 (oxysterol binding protein like 2; plus strand). Cytogenetic location: 20q13.33.
Variant type: single nucleotide variant.
Coding change: c.162G>C on transcript NM_144498.4 (MANE Select); coding-DNA position 162, G replaced by C.
Protein change: p.Glu54Asp; replaces glutamic acid 54 with aspartic acid.
Molecular consequence: missense variant. On other transcripts: 5 prime UTR variant (1), intron variant (1).
Genome position (GRCh38, 1-based): chr20:62,260,105, G>C. VCF-style: chr20-62260105-G-C. GRCh37 (hg19) VCF-style: chr20-60835161-G-C.
Other names: c.-205G>C (NM_001363878.2); c.126G>C, p.Glu42Asp (NM_014835.5); c.-184-3511G>C (NM_001278649.3); short protein forms E42D, E54D.
Identifiers: ClinVar variation 2442596 (VCV002442596.1), dbSNP rs904809761, ClinGen allele CA317235871.

ClinVar aggregate classification (germline): Uncertain significance (1 of 4 stars; one submission).

Allele frequency attached by ClinVar (database versions not stated): gnomAD 0.00001; TOPMed 0.00001.
gnomAD v4.1: 12 of 1,613,858 alleles (0.00074%); highest among the groups gnomAD compares: Non-Finnish European, 0.00093%; no homozygotes.

Submission:

GeneDx
Classification: Uncertain significance. Last evaluated: 2022-09-06. Review status: criteria provided, single submitter. Criteria: GeneDx Variant Classification Process June 2021. Collection method: clinical testing. Allele origin: germline. Affected: yes.
Comment: Not observed at significant frequency in large population cohorts (gnomAD); In silico analysis supports that this missense variant does not alter protein structure/function; Has not been previously published as pathogenic or benign to our knowledge